The following is an entry in ClinVar:

ClinVar aggregate classification (germline): Uncertain significance. Review status: criteria provided, multiple submitters, no conflicts (2 of 4 stars). 2 submissions from 2 submitters: Uncertain significance (2). Last evaluated 2025-11-25.

Submissions (2):

Labcorp Genetics (formerly Invitae), Labcorp
Classification: Uncertain significance. Last evaluated: 2025-11-25. Review status: criteria provided, single submitter. Criteria: Invitae Variant Classification Sherloc (09022015). Collection method: clinical testing. Allele origin: germline.
Comment: This sequence change replaces arginine, which is basic and polar, with glutamine, which is neutral and polar, at codon 172 of the GUCA1B protein (p.Arg172Gln). This variant is present in population databases (rs141880594, gnomAD 0.007%). This missense change has been observed in individual(s) with clinical features of GUCA1B-related conditions (internal data). ClinVar contains an entry for this variant (Variation ID: 3283147). An algorithm developed to predict the effect of missense changes on protein structure and function (PolyPhen-2) suggests that this variant is likely to be tolerated. In summary, the available evidence is currently insufficient to determine the role of this variant in disease. Therefore, it has been classified as a Variant of Uncertain Significance.

Ambry Genetics
Classification: Uncertain significance. Last evaluated: 2024-04-23. Review status: criteria provided, single submitter. Criteria: Ambry Variant Classification Scheme 2023. Collection method: clinical testing. Allele origin: germline.

NM_002098.6(GUCA1B):c.515G>A (p.Arg172Gln)

Gene: GUCA1B (guanylate cyclase activator 1B; minus strand). Cytogenetic location: 6p21.1.
Variant type: single nucleotide variant.
Coding change: c.515G>A on transcript NM_002098.6 (MANE Select); coding-DNA position 515, G replaced by A.
Protein change: p.Arg172Gln; replaces arginine 172 with glutamine.
Molecular consequence: missense variant.
Genome position (GRCh38, 1-based): chr6:42,184,903, C>T on the plus strand (G>A on the coding strand, the complement: GUCA1B is on the minus strand). VCF-style: chr6-42184903-C-T. GRCh37 (hg19) VCF-style: chr6-42152641-C-T.
Other names: short protein forms R172Q.
Identifiers: ClinVar variation 3283147 (VCV003283147.2).